The following is an entry in ClinVar:

ClinVar aggregate classification (germline): Uncertain significance (1 of 4 stars; one submission).

Conditions:
Hereditary cancer-predisposing syndrome. Also called: Neoplastic Syndromes, Hereditary; Hereditary Cancer Syndrome; Tumor predisposition; Hereditary neoplastic syndrome. Identifiers: Orphanet 140162, MedGen C0027672, MeSH D009386, MONDO:0015356.

Submission:

Ambry Genetics
Classification: Uncertain significance for Hereditary cancer-predisposing syndrome. Last evaluated: 2025-03-07. Review status: criteria provided, single submitter. Criteria: Ambry Variant Classification Scheme 2023. Collection method: clinical testing. Allele origin: germline.
Comment: The p.T1085N variant (also known as c.3254C>A), located in coding exon 20 of the RET gene, results from a C to A substitution at nucleotide position 3254. The threonine at codon 1085 is replaced by asparagine, an amino acid with similar properties. This amino acid position is conserved. In addition, this alteration is predicted to be tolerated by in silico analysis. Based on the available evidence, the clinical significance of this variant remains unclear.

NM_020975.6(RET):c.3254C>A (p.Thr1085Asn)

Gene: RET (ret proto-oncogene; plus strand). Cytogenetic location: 10q11.21.
Variant type: single nucleotide variant.
Coding change: c.3254C>A on transcript NM_020975.6 (MANE Select); coding-DNA position 3254, C replaced by A.
Protein change: p.Thr1085Asn; replaces threonine 1085 with asparagine.
Molecular consequence: missense variant. On other transcripts: 3 prime UTR variant (18), intron variant (3).
Genome position (GRCh38, 1-based): chr10:43,128,178, C>A. VCF-style: chr10-43128178-C-A. GRCh37 (hg19) VCF-style: chr10-43623626-C-A.
Other names: c.3119C>A, p.Thr1040Asn (NM_001406763.1); c.*1424C>A (NM_001406764.1, NM_001406765.1, NM_001406768.1 and 15 more transcripts); c.2966C>A, p.Thr989Asn (NM_001406766.1, NM_001406767.1); c.2858C>A, p.Thr953Asn (NM_001406769.1); c.2528C>A, p.Thr843Asn (NM_001406775.1); c.2816C>A, p.Thr939Asn (NM_001406771.1); c.3254C>A, p.Thr1085Asn (NM_001406743.1); c.3194C>A, p.Thr1065Asn (NM_001406759.1, NM_001406760.1); and 10 more; short protein forms T1042N, T1040N, T1065N, T1085N, T786N, T823N, T602N, T582N.
Identifiers: ClinVar variation 3788286 (VCV003788286.1).